The following is an entry in ClinVar:

ClinVar aggregate classification (germline): Uncertain significance. Review status: criteria provided, multiple submitters, no conflicts (2 of 4 stars). 3 submissions from 3 submitters: Uncertain significance (3). Last evaluated 2026-06-03.

Conditions:
Inborn genetic diseases. Identifiers: MedGen C0950123, MeSH D030342.
AHDC1-related intellectual disability - obstructive sleep apnea - mild dysmorphism syndrome. Also called: Xia-Gibbs syndrome. Identifiers: Orphanet 412069, MedGen C4014419, MONDO:0014358, OMIM 615829.

gnomAD v4.1: 2 of 1,613,558 alleles (0.00012%); highest among the groups gnomAD compares: Non-Finnish European, 0.000085%; no homozygotes.

Submissions (3):

Ambry Genetics
Classification: Uncertain significance for Inborn genetic diseases. Last evaluated: 2026-06-03. Review status: criteria provided, single submitter. Criteria: Ambry Variant Classification Scheme 2023. Collection method: clinical testing. Allele origin: germline.

GeneDx
Classification: Uncertain significance. Last evaluated: 2022-03-23. Review status: criteria provided, single submitter. Criteria: GeneDx Variant Classification Process June 2021. Collection method: clinical testing. Allele origin: germline. Affected: yes.
Comment: Not observed at significant frequency in large population cohorts (gnomAD); In silico analysis supports that this missense variant does not alter protein structure/function; Has not been previously published as pathogenic or benign to our knowledge

Revvity Omics, Revvity
Classification: Uncertain significance for AHDC1-related intellectual disability - obstructive sleep apnea - mild dysmorphism syndrome. Last evaluated: 2021-08-26. Review status: criteria provided, single submitter. Criteria: ACMG Guidelines, 2015. Collection method: clinical testing. Allele origin: germline.

NM_001371928.1(AHDC1):c.3505G>A (p.Asp1169Asn)

Gene: AHDC1 (AT-hook DNA binding motif containing 1; minus strand). Cytogenetic location: 1p36.11.
Variant type: single nucleotide variant.
Coding change: c.3505G>A on transcript NM_001371928.1 (MANE Select); coding-DNA position 3505, G replaced by A.
Protein change: p.Asp1169Asn; replaces aspartic acid 1169 with asparagine.
Molecular consequence: missense variant.
Genome position (GRCh38, 1-based): chr1:27,548,611, C>T on the plus strand (G>A on the coding strand, the complement: AHDC1 is on the minus strand). VCF-style: chr1-27548611-C-T. GRCh37 (hg19) VCF-style: chr1-27875122-C-T.
Other names: c.3505G>A, p.Asp1169Asn (NM_001029882.3); c.-539G>A (NM_015699.1); short protein forms D1169N.
Identifiers: ClinVar variation 1707094 (VCV001707094.5), dbSNP rs527461367, ClinGen allele CA19872997.